The following is an entry in ClinVar:

ClinVar aggregate classification (germline): Uncertain significance (1 of 4 stars; one submission).

Conditions:
Cognitive impairment with or without cerebellar ataxia (CIAT). Identifiers: MedGen C3280415, MONDO:0013680, OMIM 614306.

gnomAD v4.1: 2 of 1,613,854 alleles (0.00012%); highest among the groups gnomAD compares: African/African-American, 0.0013%; no homozygotes.

Submission:

Pittsburgh Clinical Genomics Laboratory, University of Pittsburgh Medical Center
Classification: Uncertain significance for Cognitive impairment with or without cerebellar ataxia. Last evaluated: 2024-01-24. Review status: criteria provided, single submitter. Criteria: ACMG Guidelines, 2015. Collection method: clinical testing. Allele origin: germline. Inheritance: Autosomal dominant inheritance. Affected: yes.
Comment: This sequence variant is a single nucleotide substitution (C>T) at position 5521 of the coding sequence of the SCN8A gene that results in an arginine to cysteine amino acid change at residue 1841 of the sodium voltage-gated channel alpha subunit 8 protein. The 1841 residue falls in the C-terminal domain which contains binding sites for interacting proteins necessary for sodium voltage-gated channel alpha subunit 8's function (PMID: 26029160). This variant is absent from ClinVar and has been observed once in a cohort of individuals affected by epilepsy (PMID: 34431999). This variant is present in 3 of 401512 alleles (0.0007%) in the gnomAD population dataset. Multiple bioinformatic tools predict that this arginine to cysteine amino acid change would be damaging, and the Arg1841 residue at this position is highly conserved across the vertebrate species examined. Studies examining the functional consequence of this variant have not been published, to our knowledge. At this time, there is insufficient evidence to determine if this variant is pathogenic or benign. Therefore, we consider this a variant of uncertain significance. ACMG Criteria: PM2, PP2, PP3

Literature cited by the submitters: PubMed 26029160; PubMed 34431999.

NM_001330260.2(SCN8A):c.5521C>T (p.Arg1841Cys)

Gene: SCN8A (sodium voltage-gated channel alpha subunit 8; plus strand). Cytogenetic location: 12q13.13.
Variant type: single nucleotide variant.
Coding change: c.5521C>T on transcript NM_001330260.2 (MANE Select); coding-DNA position 5521, C replaced by T.
Protein change: p.Arg1841Cys; replaces arginine 1841 with cysteine.
Molecular consequence: missense variant.
Genome position (GRCh38, 1-based): chr12:51,807,007, C>T. VCF-style: chr12-51807007-C-T. GRCh37 (hg19) VCF-style: chr12-52200791-C-T.
Other names: c.5398C>T, p.Arg1800Cys (NM_001177984.3, NM_001369788.1); c.5521C>T, p.Arg1841Cys (NM_014191.4); short protein forms R1800C, R1841C.
Identifiers: ClinVar variation 3376413 (VCV003376413.1).